The following is an entry in ClinVar:

NM_001379500.1(COL18A1):c.2884_2885del (p.Ser962fs)

Genes: COL18A1 (collagen type XVIII alpha 1 chain; plus strand), SLC19A1 (solute carrier family 19 member 1; minus strand). Cytogenetic location: 21q22.3.
Variant type: Microsatellite.
Coding change: c.2884_2885del on transcript NM_001379500.1 (MANE Select); coding-DNA positions 2884 to 2885, 2 bases deleted (AG; older notation c.2884_2885delAG).
Protein change: p.Ser962fs; shifts the reading frame from serine 962.
Molecular consequence: frameshift variant.
Genome position (GRCh38, 1-based): chr21:45,505,149-45,505,150, AG deleted; deleting any 2 consecutive bases within chr21:45,505,144-45,505,150 gives the same sequence; the c. name uses the placement nearest the transcript's 3' end. VCF-style (leftmost placement, unchanged base first): chr21-45505143-GGA-G. GRCh37 (hg19) VCF-style: chr21-46925057-GGA-G.
Other names: c.3415_3416del, p.Ser1139fs (NM_030582.4); c.4120_4121del, p.Ser1374fs (NM_130444.3); short protein forms S1374fs, S1139fs, S962fs.
Identifiers: ClinVar variation 2833728 (VCV002833728.3), dbSNP rs1176071759, ClinGen allele CA638497267.

ClinVar aggregate classification (germline): Pathogenic (1 of 4 stars; one submission).

Submission:

Labcorp Genetics (formerly Invitae), Labcorp
Classification: Pathogenic. Last evaluated: 2023-02-01. Review status: criteria provided, single submitter. Criteria: Invitae Variant Classification Sherloc (09022015). Collection method: clinical testing. Allele origin: germline.
Comment: For these reasons, this variant has been classified as Pathogenic. This variant is present in population databases (no rsID available, gnomAD no frequency). This sequence change creates a premature translational stop signal (p.Ser959Hisfs*124) in the COL18A1 gene. It is expected to result in an absent or disrupted protein product. Loss-of-function variants in COL18A1 are known to be pathogenic (PMID: 12415512, 25456301). This variant has not been reported in the literature in individuals affected with COL18A1-related conditions.

Literature cited by the submitters: PubMed 12415512; PubMed 25456301.